The following is an entry in ClinVar:

ClinVar aggregate classification (germline): Uncertain significance (1 of 4 stars; one submission).

Submission:

Labcorp Genetics (formerly Invitae), Labcorp
Classification: Uncertain significance. Last evaluated: 2025-08-11. Review status: criteria provided, single submitter. Criteria: Invitae Variant Classification Sherloc (09022015). Collection method: clinical testing. Allele origin: germline.
Comment: This sequence change replaces arginine, which is basic and polar, with tryptophan, which is neutral and slightly polar, at codon 29 of the KLF11 protein (p.Arg29Trp). This variant is present in population databases (rs780770561, gnomAD 0.006%). This variant has not been reported in the literature in individuals affected with KLF11-related conditions. An algorithm developed to predict the effect of missense changes on protein structure and function (PolyPhen-2) suggests that this variant is likely to be tolerated. In summary, the available evidence is currently insufficient to determine the role of this variant in disease. Therefore, it has been classified as a Variant of Uncertain Significance.

NM_003597.5(KLF11):c.85C>T (p.Arg29Trp)

Gene: KLF11 (KLF transcription factor 11; plus strand). Cytogenetic location: 2p25.1.
Variant type: single nucleotide variant.
Coding change: c.85C>T on transcript NM_003597.5 (MANE Select); coding-DNA position 85, C replaced by T.
Protein change: p.Arg29Trp; replaces arginine 29 with tryptophan.
Molecular consequence: missense variant.
Genome position (GRCh38, 1-based): chr2:10,046,192, C>T. VCF-style: chr2-10046192-C-T. GRCh37 (hg19) VCF-style: chr2-10186319-C-T.
Other names: c.34C>T, p.Arg12Trp (NM_001177716.2, NM_001177718.2); short protein forms R29W, R12W.
Identifiers: ClinVar variation 4699496 (VCV004699496.1).
Genomic context (GRCh38, chr2:10,046,192, plus strand): 5'-GTGTTGTGTCGCCTTTAGGTTGACATCATGGACATATGTGAGTCCATCCTGGAGAGGAAG[C>T]GGCATGACAGCGAAAGGTCTACTTGCAGCATCTTGGAGCAGACAGACATGGAAGCTGTCG-3'
Protein context (NP_003588.1, residues 19-39): DICESILERK[Arg29Trp]HDSERSTCSI